The following is an entry in ClinVar:

NM_022725.4(FANCF):c.130A>T (p.Ile44Phe)

Gene: FANCF (FA complementation group F; minus strand). Cytogenetic location: 11p14.3.
Variant type: single nucleotide variant.
Coding change: c.130A>T on transcript NM_022725.4 (MANE Select); coding-DNA position 130, A replaced by T.
Protein change: p.Ile44Phe; replaces isoleucine 44 with phenylalanine.
Molecular consequence: missense variant.
Genome position (GRCh38, 1-based): chr11:22,625,681, T>A on the plus strand (A>T on the coding strand, the complement: FANCF is on the minus strand). VCF-style: chr11-22625681-T-A. GRCh37 (hg19) VCF-style: chr11-22647227-T-A.
Other names: short protein forms I44F.
Identifiers: ClinVar variation 2194907 (VCV002194907.4), dbSNP rs2133798589, ClinGen allele CA380059642.

ClinVar aggregate classification (germline): Uncertain significance (1 of 4 stars; one submission).

Conditions:
Fanconi anemia (FA). Also called: Fanconi's anemia. Identifiers: Orphanet 84, MedGen C0015625, MeSH D005199, MONDO:0019391.

Submission:

Labcorp Genetics (formerly Invitae), Labcorp
Classification: Uncertain significance for Fanconi anemia. Last evaluated: 2022-06-08. Review status: criteria provided, single submitter. Criteria: Invitae Variant Classification Sherloc (09022015). Collection method: clinical testing. Allele origin: germline.
Comment: Algorithms developed to predict the effect of missense changes on protein structure and function are either unavailable or do not agree on the potential impact of this missense change (SIFT: "Deleterious"; PolyPhen-2: "Possibly Damaging"; Align-GVGD: "Class C0"). In summary, the available evidence is currently insufficient to determine the role of this variant in disease. Therefore, it has been classified as a Variant of Uncertain Significance. This variant has not been reported in the literature in individuals affected with FANCF-related conditions. This variant is not present in population databases (gnomAD no frequency). This sequence change replaces isoleucine, which is neutral and non-polar, with phenylalanine, which is neutral and non-polar, at codon 44 of the FANCF protein (p.Ile44Phe).